The following is an entry in ClinVar:

NM_001142864.4(PIEZO1):c.5769C>T (p.Ala1923=)

Gene: PIEZO1 (piezo type mechanosensitive ion channel component 1 (Er blood group); minus strand). Cytogenetic location: 16q24.3.
Variant type: single nucleotide variant.
Coding change: c.5769C>T on transcript NM_001142864.4 (MANE Select); coding-DNA position 5769, C replaced by T.
Protein change: p.Ala1923=; no amino-acid change (alanine 1923 retained).
Molecular consequence: synonymous variant.
Genome position (GRCh38, 1-based): chr16:88,720,648, G>A on the plus strand (C>T on the coding strand, the complement: PIEZO1 is on the minus strand). VCF-style: chr16-88720648-G-A. GRCh37 (hg19) VCF-style: chr16-88787056-G-A.
Other names: p.Ala1923=.
Identifiers: ClinVar variation 789649 (VCV000789649.22), dbSNP rs2340977, ClinGen allele CA8231789.
Genomic context (GRCh38, chr16:88,720,648, plus strand): 5'-CCAGCTGCCCCCGGCCGCCATCACTCACAGGGACAGGCAGAAGCCCTGCAGCCGCCGCCC[G>A]GCCGCCCTTACTCTTCCTCCAGAGCGGCTTGGCCTCTTCTCTCTCCCCGTGGGGGCCTCT-3'
Protein context (NP_001136336.2, residues 1913-1933): PSRSGGRVRA[Ala1923=]GRRLQGFCLS

ClinVar aggregate classification (germline): Benign/Likely benign. Review status: criteria provided, multiple submitters, no conflicts (2 of 4 stars). 4 submissions from 4 submitters: Benign (3); Likely benign (1). Last evaluated 2026-01-14.

Allele frequency attached by ClinVar (database versions not stated): ExAC 0.00472; gnomAD 0.01074; ESP Exome Variant Server 0.01095; 1000 Genomes Project 0.01098; 1000 Genomes Project 30x 0.01140; TOPMed 0.01212.
gnomAD v4.1: 3,195 of 1,528,396 alleles (0.21%); highest among the groups gnomAD compares: African/African-American, 3.6%; 61 homozygotes.

Submissions (4):

Labcorp Genetics (formerly Invitae), Labcorp
Classification: Benign. Last evaluated: 2026-01-14. Review status: criteria provided, single submitter. Criteria: Invitae Variant Classification Sherloc (09022015). Collection method: clinical testing. Allele origin: germline.

Mayo Clinic Laboratories, Mayo Clinic
Classification: Likely benign. Last evaluated: 2025-11-24. Review status: criteria provided, single submitter. Criteria: ACMG Guidelines, 2015. Collection method: clinical testing. Allele origin: germline. Observed: 28 variant alleles.
Comment: BS2, BP4, BP7

ARUP Laboratories, Molecular Genetics and Genomics, ARUP Laboratories
Classification: Benign. Last evaluated: 2025-06-19. Review status: criteria provided, single submitter. Criteria: ARUP Molecular Germline Variant Investigation Process 2024. Collection method: clinical testing. Allele origin: germline.

Breakthrough Genomics
Classification: Benign. Review status: criteria provided, single submitter. Criteria: ACMG Guidelines, 2015. Collection method: not provided. Allele origin: germline. Inheritance: Autosomal recessive inheritance. Affected: yes.